The following is an entry in ClinVar:

NM_004260.4(RECQL4):c.2047G>A (p.Asp683Asn)

Gene: RECQL4 (RecQ like helicase 4; minus strand). Cytogenetic location: 8q24.3.
Variant type: single nucleotide variant.
Coding change: c.2047G>A on transcript NM_004260.4 (MANE Select); coding-DNA position 2047, G replaced by A.
Protein change: p.Asp683Asn; replaces aspartic acid 683 with asparagine.
Molecular consequence: missense variant. On other transcripts: non-coding transcript variant (3).
Genome position (GRCh38, 1-based): chr8:144,513,939, C>T on the plus strand (G>A on the coding strand, the complement: RECQL4 is on the minus strand). VCF-style: chr8-144513939-C-T. GRCh37 (hg19) VCF-style: chr8-145739323-C-T.
Other names: c.1951G>A, p.Asp651Asn (NM_001413017.1, NM_001413020.1); c.2047G>A, p.Asp683Asn (NM_001413018.1, NM_001413019.1, NM_001413036.1); c.976G>A, p.Asp326Asn (NM_001413021.1, NM_001413022.1, NM_001413023.1 and 6 more transcripts); c.1918G>A, p.Asp640Asn (NM_001413025.1); c.910G>A, p.Asp304Asn (NM_001413027.1, NM_001413030.1, NM_001413032.1 and 1 more transcripts); c.1696G>A, p.Asp566Asn (NM_001413029.1); c.778G>A, p.Asp260Asn (NM_001413031.1); c.1915G>A, p.Asp639Asn (NM_001413033.1); and 4 more; short protein forms D316N, D326N, D566N, D683N, D260N, D282N, D639N, D640N.
Identifiers: ClinVar variation 3788046 (VCV003788046.1).

ClinVar aggregate classification (germline): Uncertain significance (1 of 4 stars; one submission).

Conditions:
Inborn genetic diseases. Identifiers: MedGen C0950123, MeSH D030342.

Submission:

Ambry Genetics
Classification: Uncertain significance for Inborn genetic diseases. Last evaluated: 2025-02-15. Review status: criteria provided, single submitter. Criteria: Ambry Variant Classification Scheme 2023. Collection method: clinical testing. Allele origin: germline.
Comment: The p.D683N variant (also known as c.2047G>A), located in coding exon 12 of the RECQL4 gene, results from a G to A substitution at nucleotide position 2047. The aspartic acid at codon 683 is replaced by asparagine, an amino acid with highly similar properties. This amino acid position is conserved. In addition, this alteration is predicted to be tolerated by in silico analysis. Based on the available evidence, the clinical significance of this variant remains unclear.